The following is an entry in ClinVar:

NM_001358921.2(COQ2):c.104C>G (p.Ala35Gly)

Genes: COQ2 (coenzyme Q2, polyprenyltransferase; minus strand), LOC112997540 (Sharpr-MPRA regulatory region 13773; plus strand). Cytogenetic location: 4q21.23.
Variant type: single nucleotide variant.
Coding change: c.104C>G on transcript NM_001358921.2 (MANE Select); coding-DNA position 104, C replaced by G.
Protein change: p.Ala35Gly; replaces alanine 35 with glycine.
Molecular consequence: missense variant.
Genome position (GRCh38, 1-based): chr4:83,284,661, G>C on the plus strand (C>G on the coding strand, the complement: COQ2 is on the minus strand). VCF-style: chr4-83284661-G-C. GRCh37 (hg19) VCF-style: chr4-84205814-G-C.
Other names: c.254C>G, p.Ala85Gly (NM_015697.9); c.254C>G (NM_015697.7); short protein forms A35G, A85G.
Identifiers: ClinVar variation 2077047 (VCV002077047.2), dbSNP rs1359732289, ClinGen allele CA357231066.

ClinVar aggregate classification (germline): Uncertain significance. Review status: criteria provided, multiple submitters, no conflicts (2 of 4 stars). 2 submissions from 2 submitters: Uncertain significance (2). Last evaluated 2024-01-09.

Conditions:
Inborn genetic diseases. Identifiers: MedGen C0950123, MeSH D030342.

Allele frequency attached by ClinVar (database versions not stated): gnomAD 0.00001; gnomAD exomes 0.00001; TOPMed 0.00004.
gnomAD v4.1: 11 of 1,450,206 alleles (0.00076%); highest among the groups gnomAD compares: Admixed American, 0.028%; no homozygotes.

Submissions (2):

Ambry Genetics
Classification: Uncertain significance for Inborn genetic diseases. Last evaluated: 2024-01-09. Review status: criteria provided, single submitter. Criteria: Ambry Variant Classification Scheme 2023. Collection method: clinical testing. Allele origin: germline.

Labcorp Genetics (formerly Invitae), Labcorp
Classification: Uncertain significance. Last evaluated: 2022-02-20. Review status: criteria provided, single submitter. Criteria: Invitae Variant Classification Sherloc (09022015). Collection method: clinical testing. Allele origin: germline.
Comment: This sequence change replaces alanine, which is neutral and non-polar, with glycine, which is neutral and non-polar, at codon 85 of the COQ2 protein (p.Ala85Gly). This variant is present in population databases (no rsID available, gnomAD 0.05%). This variant has not been reported in the literature in individuals affected with COQ2-related conditions. Algorithms developed to predict the effect of missense changes on protein structure and function (SIFT, PolyPhen-2, Align-GVGD) all suggest that this variant is likely to be tolerated. In summary, the available evidence is currently insufficient to determine the role of this variant in disease. Therefore, it has been classified as a Variant of Uncertain Significance.